The following is an entry in ClinVar:

NM_007294.4(BRCA1):c.3586A>T (p.Thr1196Ser)

Genes: BRCA1 (BRCA1 DNA repair associated; minus strand), LOC126862571 (BRD4-independent group 4 enhancer GRCh37_chr17:41243136-41244335; plus strand). Cytogenetic location: 17q21.31.
Variant type: single nucleotide variant.
Coding change: c.3586A>T on transcript NM_007294.4 (MANE Select); coding-DNA position 3586, A replaced by T.
Protein change: p.Thr1196Ser; replaces threonine 1196 with serine.
Molecular consequence: missense variant. On other transcripts: intron variant (135).
Genome position (GRCh38, 1-based): chr17:43,091,945, T>A on the plus strand (A>T on the coding strand, the complement: BRCA1 is on the minus strand). VCF-style: chr17-43091945-T-A. GRCh37 (hg19) VCF-style: chr17-41243962-T-A.
Other names: c.3373A>T, p.Thr1125Ser (NM_001407571.1, NM_001407853.1, NM_001407894.1 and 9 more transcripts); c.3586A>T, p.Thr1196Ser (NM_001407581.1, NM_001407582.1, NM_001407583.1 and 30 more transcripts); c.3583A>T, p.Thr1195Ser (NM_001407587.1, NM_001407590.1, NM_001407591.1 and 22 more transcripts); c.3577A>T, p.Thr1193Ser (NM_001407646.1, NM_001407647.1); c.3463A>T, p.Thr1155Ser (NM_001407648.1, NM_001407664.1, NM_001407665.1 and 19 more transcripts); c.3460A>T, p.Thr1154Ser (NM_001407649.1, NM_001407670.1, NM_001407671.1 and 11 more transcripts); c.3508A>T, p.Thr1170Ser (NM_001407653.1, NM_001407654.1, NM_001407655.1 and 4 more transcripts); c.3505A>T, p.Thr1169Ser (NM_001407659.1, NM_001407660.1, NM_001407661.1 and 1 more transcripts); and 41 more; short protein forms T1196S, T1149S, T1085S, T1107S, T1126S, T1129S, T1154S, T1028S.
Identifiers: ClinVar variation 441435 (VCV000441435.24), dbSNP rs1340335862, ClinGen allele CA10594790.

ClinVar aggregate classification (germline): Conflicting classifications of pathogenicity. Review status: criteria provided, conflicting classifications (1 of 4 stars). 7 submissions from 7 submitters: Uncertain significance (6); Likely benign (1). Last evaluated 2025-12-08.

Conditions:
Hereditary breast ovarian cancer syndrome. Also called: Hereditary breast and ovarian cancer syndrome (HBOC); BRCA1- and BRCA2-Associated Hereditary Breast and Ovarian Cancer; Hereditary breast and/or ovarian cancer syndrome; Hereditary breast and ovarian cancer syndrome; Hereditary breast and ovarian cancer; Breast and ovarian cancer. Identifiers: Orphanet 145, MedGen C0677776, MeSH D061325, MONDO:0003582. Disease mechanism: loss of function.
Hereditary cancer-predisposing syndrome. Also called: Neoplastic Syndromes, Hereditary; Hereditary neoplastic syndrome; Tumor predisposition; Hereditary Cancer Syndrome. Identifiers: Orphanet 140162, MedGen C0027672, MeSH D009386, MONDO:0015356.
Breast-ovarian cancer, familial, susceptibility to, 1 (BROVCA1). Also called: BRCA1 Hereditary Breast and Ovarian Cancer; OVARIAN CANCER, SUSCEPTIBILITY TO. Identifiers: Orphanet 145, MedGen C2676676, MONDO:0011450, OMIM 604370. Disease mechanism: loss of function.

Allele frequency attached by ClinVar (database versions not stated): TOPMed below 0.00001.

Submissions (7):

Ambry Genetics
Classification: Uncertain significance for Hereditary cancer-predisposing syndrome. Last evaluated: 2025-12-08. Review status: criteria provided, single submitter. Criteria: Ambry Variant Classification Scheme 2023. Collection method: clinical testing. Allele origin: germline.

Color Diagnostics, LLC DBA Color Health
Classification: Uncertain significance for Hereditary cancer-predisposing syndrome. Last evaluated: 2025-11-05. Review status: criteria provided, single submitter. Criteria: ACMG Guidelines, 2015. Collection method: clinical testing. Allele origin: germline.
Comment: This missense variant replaces threonine with serine at codon 1196 of the BRCA1 protein. Computational prediction suggests that this variant may not impact protein structure and function. To our knowledge, functional studies have not been reported for this variant. Multifactorial analysis reached a combined likelihood ratio (LR) of 0.511 based on personal and family history for 1 carrier (PMID: 31853058). This variant has not been identified in the general population by the Genome Aggregation Database (gnomAD). The available evidence is insufficient to determine the role of this variant in disease conclusively. Therefore, this variant is classified as a Variant of Uncertain Significance.

Labcorp Genetics (formerly Invitae), Labcorp
Classification: Uncertain significance for Hereditary breast ovarian cancer syndrome. Last evaluated: 2025-04-28. Review status: criteria provided, single submitter. Criteria: Invitae Variant Classification Sherloc (09022015). Collection method: clinical testing. Allele origin: germline.
Comment: This sequence change replaces threonine, which is neutral and polar, with serine, which is neutral and polar, at codon 1196 of the BRCA1 protein (p.Thr1196Ser). This variant is not present in population databases (gnomAD no frequency). This missense change has been observed in individual(s) with breast cancer (PMID: 35264596). ClinVar contains an entry for this variant (Variation ID: 441435). Invitae Evidence Modeling of protein sequence and biophysical properties (such as structural, functional, and spatial information, amino acid conservation, physicochemical variation, residue mobility, and thermodynamic stability) indicates that this missense variant is not expected to disrupt BRCA1 protein function with a negative predictive value of 80%. In summary, the available evidence is currently insufficient to determine the role of this variant in disease. Therefore, it has been classified as a Variant of Uncertain Significance.

All of Us Research Program, National Institutes of Health
Classification: Uncertain significance for Breast-ovarian cancer, familial, susceptibility to, 1. Last evaluated: 2023-03-23. Review status: criteria provided, single submitter. Criteria: ACMG Guidelines, 2015. Collection method: clinical testing. Allele origin: germline. Inheritance: Autosomal dominant inheritance. Observed: 1 variant allele, 1 heterozygote.
Comment: This missense variant replaces threonine with serine at codon 1196 of the BRCA1 protein. Computational prediction suggests that this variant may not impact protein structure and function (internally defined REVEL score threshold <= 0.5, PMID: 27666373). To our knowledge, functional studies have not been reported for this variant. This variant has not been reported in individuals affected with BRCA1-related disorders in the literature. This variant has not been identified in the general population by the Genome Aggregation Database (gnomAD). The available evidence is insufficient to determine the role of this variant in disease conclusively. Therefore, this variant is classified as a Variant of Uncertain Significance.

This study involves interpretation of variants in research participants for the purpose of population health screening. Participant phenotype was not available at the time of variant classification. Additional details can be found in publication PMID: 35346344, PMCID: PMC8962531

University of Washington Department of Laboratory Medicine, University of Washington
Classification: Likely benign for Hereditary cancer-predisposing syndrome. Last evaluated: 2023-03-23. Review status: criteria provided, single submitter. Criteria: Dines et al. (Genet Med. 2020). Collection method: curation. Allele origin: germline.
Comment: Missense variant in a coldspot region where missense variants are very unlikely to be pathogenic (PMID:31911673).

BRCA1 coldspot (exon 11 using historical exon numbering). Reclassification based on statistical prior probability

Sema4
Classification: Uncertain significance for Hereditary cancer-predisposing syndrome. Last evaluated: 2021-12-09. Review status: criteria provided, single submitter. Criteria: Sema4 Curation Guidelines. Collection method: curation. Allele origin: germline.
Comment: To the best of our knowledge, the BRCA1 c.3586A>T (p.T1196S) variant has not been reported in individuals with BRCA1-related disease. This variant is not reported in the population database Genome Aggregation Database (PMID: 32461654). This variant has been reported in ClinVar (Variation ID: 441435). Functional studies have not been performed, and in silico predictions of the variant's effect on protein function are inconclusive. The evidence is insufficient to meet ACMG/AMP criteria for classifying the variant as benign or pathogenic. Thus, the clinical significance of this variant is currently uncertain.

Mendelics
Classification: Uncertain significance for Breast-ovarian cancer, familial, susceptibility to, 1. Last evaluated: 2019-05-28. Review status: criteria provided, single submitter. Criteria: Mendelics Assertion Criteria 2017. Collection method: clinical testing. Allele origin: unknown.

Literature cited by the submitters: PubMed 31853058 (cited by Color Diagnostics, LLC DBA Color Health); PubMed 35264596 (cited by Labcorp Genetics (formerly Invitae), Labcorp).